The following is an entry in ClinVar:

ClinVar aggregate classification (germline): Uncertain significance (1 of 4 stars; one submission).

gnomAD v4.1: 41 of 1,612,712 alleles (0.0025%); highest among the groups gnomAD compares: East Asian, 0.04%; no homozygotes.

Submission:

Labcorp Genetics (formerly Invitae), Labcorp
Classification: Uncertain significance. Last evaluated: 2025-03-16. Review status: criteria provided, single submitter. Criteria: Invitae Variant Classification Sherloc (09022015). Collection method: clinical testing. Allele origin: germline.
Comment: This sequence change falls in intron 3 of the ST14 gene. It does not directly change the encoded amino acid sequence of the ST14 protein. It affects a nucleotide within the consensus splice site. This variant is present in population databases (rs747846782, gnomAD 0.03%). This variant has not been reported in the literature in individuals affected with ST14-related conditions. Variants that disrupt the consensus splice site are a relatively common cause of aberrant splicing (PMID: 17576681, 9536098). Algorithms developed to predict the effect of sequence changes on RNA splicing suggest that this variant is not likely to affect RNA splicing. In summary, the available evidence is currently insufficient to determine the role of this variant in disease. Therefore, it has been classified as a Variant of Uncertain Significance.

Literature cited by the submitters: PubMed 17576681; PubMed 9536098.

NM_021978.4(ST14):c.370-3C>T

Gene: ST14 (ST14 transmembrane serine protease matriptase; plus strand). Cytogenetic location: 11q24.3.
Variant type: single nucleotide variant.
Coding change: c.370-3C>T on transcript NM_021978.4 (MANE Select); 3 bases into the intron before coding-DNA position 370, C replaced by T.
Molecular consequence: intron variant.
Genome position (GRCh38, 1-based): chr11:130,188,866, C>T. VCF-style: chr11-130188866-C-T. GRCh37 (hg19) VCF-style: chr11-130058761-C-T.
Identifiers: ClinVar variation 4695617 (VCV004695617.1).